The following is an entry in ClinVar:

NM_007294.4(BRCA1):c.5277+2029G>C

Gene: BRCA1 (BRCA1 DNA repair associated; minus strand). Cytogenetic location: 17q21.31.
Variant type: single nucleotide variant.
Coding change: c.5277+2029G>C on transcript NM_007294.4 (MANE Select); 2029 bases into the intron after coding-DNA position 5277, G replaced by C.
Molecular consequence: intron variant.
Genome position (GRCh38, 1-based): chr17:43,055,023, C>G on the plus strand (G>C on the coding strand, the complement: BRCA1 is on the minus strand). VCF-style: chr17-43055023-C-G. GRCh37 (hg19) VCF-style: chr17-41207040-C-G.
Other names: c.1824+2029G>C (NM_001408458.1, NM_001408461.1, NM_001408464.1 and 7 more transcripts); c.4386+2029G>C (NM_001407967.1); c.4896+2029G>C (NM_001407959.1); c.5010+2029G>C (NM_001407931.1, NM_001407932.1, NM_001407928.1 and 4 more transcripts); c.5133+2029G>C (NM_001407747.1, NM_001407745.1, NM_001407737.1 and 21 more transcripts); c.4893+2029G>C (NM_001407962.1, NM_001407960.1); c.1464+2029G>C (NM_001408512.1); c.1587+2029G>C (NM_001408510.1); and 72 more.
Identifiers: ClinVar variation 264851 (VCV000264851.2), dbSNP rs371465813, ClinGen allele CA10588190.

ClinVar aggregate classification (germline): Benign (3 of 4 stars; one submission).

Conditions:
Breast-ovarian cancer, familial, susceptibility to, 1 (BROVCA1). Also called: BRCA1 Hereditary Breast and Ovarian Cancer; OVARIAN CANCER, SUSCEPTIBILITY TO. Identifiers: Orphanet 145, MedGen C2676676, MONDO:0011450, OMIM 604370. Disease mechanism: loss of function.

Allele frequency attached by ClinVar (database versions not stated): gnomAD 0.00004 and 0.00011; TOPMed 0.00017; 1000 Genomes Project 30x 0.00219; 1000 Genomes Project 0.00240.
gnomAD v4.1: 17 of 152,188 alleles (0.011%); highest among the groups gnomAD compares: East Asian, 0.33%; 1 homozygote.

Submission:

Evidence-based Network for the Interpretation of Germline Mutant Alleles (ENIGMA)
Classification: Benign for Breast-ovarian cancer, familial, susceptibility to, 1. Last evaluated: 2016-09-28. Review status: reviewed by expert panel. Criteria: ENIGMA BRCA1/2 Classification Criteria (2015). Collection method: curation. Allele origin: germline.
Comment: Class 1 not pathogenic based on frequency >1% in an outbred sampleset. Frequency 0.0119 (East Asian), derived from 1000 genomes (2013-05-02).